The following is an entry in ClinVar:

ClinVar aggregate classification (germline): Uncertain significance (1 of 4 stars; one submission).

Submission:

GeneDx
Classification: Uncertain significance. Last evaluated: 2025-05-21. Review status: criteria provided, single submitter. Criteria: GeneDx Variant Classification Process June 2021. Collection method: clinical testing. Allele origin: germline. Affected: yes.
Comment: Not observed at significant frequency in large population cohorts (gnomAD); In silico analysis supports that this missense variant has a deleterious effect on protein structure/function; Has not been previously published as pathogenic or benign to our knowledge

NM_000875.5(IGF1R):c.611G>A (p.Arg204His)

Gene: IGF1R (insulin like growth factor 1 receptor; plus strand). Cytogenetic location: 15q26.3.
Variant type: single nucleotide variant.
Coding change: c.611G>A on transcript NM_000875.5 (MANE Select); coding-DNA position 611, G replaced by A.
Protein change: p.Arg204His; replaces arginine 204 with histidine.
Molecular consequence: missense variant.
Genome position (GRCh38, 1-based): chr15:98,708,078, G>A. VCF-style: chr15-98708078-G-A. GRCh37 (hg19) VCF-style: chr15-99251307-G-A.
Other names: c.611G>A, p.Arg204His (NM_001291858.2); short protein forms R204H.
Identifiers: ClinVar variation 4531151 (VCV004531151.1).